The following is an entry in ClinVar:

ClinVar aggregate classification (germline): Uncertain significance (1 of 4 stars; one submission).

Allele frequency attached by ClinVar (database versions not stated): ExAC 0.00005; TOPMed 0.00006; gnomAD 0.00008; gnomAD exomes 0.00008.
gnomAD v4.1: 134 of 1,613,556 alleles (0.0083%); highest among the groups gnomAD compares: Non-Finnish European, 0.011%; no homozygotes.

Submission:

Labcorp Genetics (formerly Invitae), Labcorp
Classification: Uncertain significance. Last evaluated: 2025-05-14. Review status: criteria provided, single submitter. Criteria: Invitae Variant Classification Sherloc (09022015). Collection method: clinical testing. Allele origin: germline.
Comment: This sequence change replaces aspartic acid, which is acidic and polar, with glycine, which is neutral and non-polar, at codon 907 of the MECOM protein (p.Asp907Gly). This variant is present in population databases (rs756715943, gnomAD 0.01%). This variant has not been reported in the literature in individuals affected with MECOM-related conditions. ClinVar contains an entry for this variant (Variation ID: 2076712). An algorithm developed to predict the effect of missense changes on protein structure and function (PolyPhen-2) suggests that this variant is likely to be tolerated. In summary, the available evidence is currently insufficient to determine the role of this variant in disease. Therefore, it has been classified as a Variant of Uncertain Significance.

NM_004991.4(MECOM):c.3284A>G (p.Asp1095Gly)

Gene: MECOM (MDS1 and EVI1 complex locus; minus strand). Cytogenetic location: 3q26.2.
Variant type: single nucleotide variant.
Coding change: c.3284A>G on transcript NM_004991.4 (MANE Select); coding-DNA position 3284, A replaced by G.
Protein change: p.Asp1095Gly; replaces aspartic acid 1095 with glycine.
Molecular consequence: missense variant.
Genome position (GRCh38, 1-based): chr3:169,090,117, T>C on the plus strand (A>G on the coding strand, the complement: MECOM is on the minus strand). VCF-style: chr3-169090117-T-C. GRCh37 (hg19) VCF-style: chr3-168807905-T-C.
Other names: c.2915A>G, p.Asp972Gly (NM_001105077.4); c.2720A>G, p.Asp907Gly (NM_001105078.4, NM_001205194.2, NM_001366469.2 and 1 more transcripts); c.2696A>G, p.Asp899Gly (NM_001163999.2, NM_001366470.2); c.2693A>G, p.Asp898Gly (NM_001164000.2, NM_001366471.2, NM_001366472.2); c.3257A>G, p.Asp1086Gly (NM_001366466.2); c.2723A>G, p.Asp908Gly (NM_001366467.2, NM_001366468.2); c.2285A>G, p.Asp762Gly (NM_001366473.2); c.1721A>G, p.Asp574Gly (NM_001366474.2); short protein forms D1086G, D1095G, D972G, D898G, D907G, D908G, D574G, D762G.
Identifiers: ClinVar variation 2076712 (VCV002076712.4), dbSNP rs756715943, ClinGen allele CA2695936.
Genomic context (GRCh38, chr3:169,090,117, plus strand): 5'-TCAGGGTTTCCTTCATGTAAATTACTTGTCACTGGTTCCTTTCCTGTTTTTCCAGTAATA[T>C]CATTGTCTTCATCCTCCTCATCTAACAACACCTCATCTTCAACTTCTTCATCATCCAGCA-3'
Protein context (NP_004982.2, residues 1085-1105): VLLDEEDEDN[Asp1095Gly]ITGKTGKEPV